The following is an entry in ClinVar:

NM_015662.3(IFT172):c.3872A>G (p.Glu1291Gly)

Genes: IFT172 (intraflagellar transport 172; minus strand), LOC126806173 (BRD4-independent group 4 enhancer GRCh37_chr2:27676057-27677256; plus strand). Cytogenetic location: 2p23.3.
Variant type: single nucleotide variant.
Coding change: c.3872A>G on transcript NM_015662.3 (MANE Select); coding-DNA position 3872, A replaced by G.
Protein change: p.Glu1291Gly; replaces glutamic acid 1291 with glycine.
Molecular consequence: missense variant.
Genome position (GRCh38, 1-based): chr2:27,453,463, T>C on the plus strand (A>G on the coding strand, the complement: IFT172 is on the minus strand). VCF-style: chr2-27453463-T-C. GRCh37 (hg19) VCF-style: chr2-27676330-T-C.
Other names: short protein forms E1291G.
Identifiers: ClinVar variation 388172 (VCV000388172.2), dbSNP rs1057523019, ClinGen allele CA16604462.
Genomic context (GRCh38, chr2:27,453,463, plus strand): 5'-GCCAGGCCGCTGTTTCCAGAGTCTCGCACTTTGAGGTAGCAGTCCACGGCACGGCTGTAC[T>C]CTCCAGCCTGCTCCCAGTGTCGAGCTTGTTCCACAAATCCCTCCACACCCCTGTGGAGAT-3'
Protein context (NP_056477.1, residues 1281-1301): EQARHWEQAG[Glu1291Gly]YSRAVDCYLK

ClinVar aggregate classification (germline): Uncertain significance (1 of 4 stars; one submission).

Allele frequency attached by ClinVar (database versions not stated): gnomAD exomes below 0.00001.
gnomAD v4.1: 2 of 1,614,110 alleles (0.00012%); highest among the groups gnomAD compares: Non-Finnish European, 0.00017%; no homozygotes.

Submission:

GeneDx
Classification: Uncertain significance. Last evaluated: 2016-07-27. Review status: criteria provided, single submitter. Criteria: GeneDx Variant Classification (06012015). Collection method: clinical testing. Allele origin: germline. Affected: yes.
Comment: A variant of uncertain significance has been identified in the IFT172 gene. The E1291G variant has not been published as a pathogenic variant, nor has it been reported as a benign variant to our knowledge. It was not observed in approximately 6,500 individuals of European and African American ancestry in the NHLBI Exome Sequencing Project, indicating it is not a common benign variant in these populations. The E1291G variant is a non-conservative amino acid substitution, which is likely to impact secondary protein structure as these residues differ in polarity, charge, size and/or other properties. This substitution occurs at a position that is conserved across species, and in silico analysis predicts this variant is probably damaging to the protein structure/function. However, missense variants in nearby residues have not been reported in Human Gene Mutation Database in association with IFT172-related disorders (Stenson et al., 2014). Therefore, based on the currently available information, it is unclear whether this variant is a pathogenic variant or a rare benign variant.